The following is an entry in ClinVar:

NM_000079.4(CHRNA1):c.320G>A (p.Arg107His)

Gene: CHRNA1 (cholinergic receptor nicotinic alpha 1 subunit; minus strand). Cytogenetic location: 2q31.1.
Variant type: single nucleotide variant.
Coding change: c.320G>A on transcript NM_000079.4 (MANE Select); coding-DNA position 320, G replaced by A.
Protein change: p.Arg107His; replaces arginine 107 with histidine.
Molecular consequence: missense variant.
Genome position (GRCh38, 1-based): chr2:174,757,590, C>T on the plus strand (G>A on the coding strand, the complement: CHRNA1 is on the minus strand). VCF-style: chr2-174757590-C-T. GRCh37 (hg19) VCF-style: chr2-175622318-C-T.
Other names: c.395G>A, p.Arg132His (NM_001039523.3); short protein forms R107H, R132H.
Identifiers: ClinVar variation 534525 (VCV000534525.14), dbSNP rs376844505, ClinGen allele CA1974591.
Genomic context (GRCh38, chr2:174,757,590, plus strand): 5'-CAGGAGCACCCTCCGCCACCCATGCAGTTTGCTCACTTGTTATAGAGAACAAGGTCTGGG[C>T]GCCAGATCTTTTCTGAAGGAATGTGAATTTTTTTCACACCGCCATAGTCATCTGGATTCC-3'
Protein context (NP_000070.1, residues 97-117): KIHIPSEKIW[Arg107His]PDLVLYNNAD

ClinVar aggregate classification (germline): Uncertain significance. Review status: criteria provided, multiple submitters, no conflicts (2 of 4 stars). 4 submissions from 4 submitters: Uncertain significance (4). Last evaluated 2026-01-26.

Conditions:
Inborn genetic diseases. Identifiers: MedGen C0950123, MeSH D030342.
Lethal multiple pterygium syndrome (LMPS). Identifiers: Orphanet 33108, MedGen C1854678, MONDO:0009668, OMIM 253290.
Myasthenic syndrome, congenital, 1A, slow-channel. Also called: Congenital myasthenic syndrome 1A; CMS IIa; MYASTHENIC SYNDROME, CONGENITAL, TYPE IIa. Identifiers: MedGen C2931107, MONDO:0011088, OMIM 601462.

Allele frequency attached by ClinVar (database versions not stated): ExAC 0.00007; ESP Exome Variant Server 0.00008; TOPMed 0.00015; gnomAD 0.00012 and 0.00011.
gnomAD v4.1: 148 of 1,613,838 alleles (0.0092%); highest among the groups gnomAD compares: Middle Eastern, 0.016%; no homozygotes.

Submissions (4):

Labcorp Genetics (formerly Invitae), Labcorp
Classification: Uncertain significance for Lethal multiple pterygium syndrome. Last evaluated: 2026-01-26. Review status: criteria provided, single submitter. Criteria: Invitae Variant Classification Sherloc (09022015). Collection method: clinical testing. Allele origin: germline.
Comment: This sequence change replaces arginine, which is basic and polar, with histidine, which is basic and polar, at codon 107 of the CHRNA1 protein (p.Arg107His). This variant is present in population databases (rs376844505, gnomAD 0.01%). This variant has not been reported in the literature in individuals affected with CHRNA1-related conditions. ClinVar contains an entry for this variant (Variation ID: 534525). Invitae Evidence Modeling of protein sequence and biophysical properties (such as structural, functional, and spatial information, amino acid conservation, physicochemical variation, residue mobility, and thermodynamic stability) indicates that this missense variant is not expected to disrupt CHRNA1 protein function with a negative predictive value of 80%. In summary, the available evidence is currently insufficient to determine the role of this variant in disease. Therefore, it has been classified as a Variant of Uncertain Significance.

Ambry Genetics
Classification: Uncertain significance for Inborn genetic diseases. Last evaluated: 2025-01-17. Review status: criteria provided, single submitter. Criteria: Ambry Variant Classification Scheme 2023. Collection method: clinical testing. Allele origin: germline.

Department of Pathology and Laboratory Medicine, Sinai Health System
Classification: Uncertain significance for congenital myasthenic syndrome 1A. Last evaluated: 2021-12-09. Review status: criteria provided, single submitter. Criteria: ACMG Guidelines, 2015. Collection method: research. Allele origin: germline.

Revvity Omics, Revvity
Classification: Uncertain significance. Last evaluated: 2020-03-09. Review status: criteria provided, single submitter. Criteria: ACMG Guidelines, 2015. Collection method: clinical testing. Allele origin: germline.